The following is an entry in ClinVar:

NM_001145073.3(USP27X):c.1315T>C (p.Ter439Arg)

Gene: USP27X (ubiquitin specific peptidase 27 X-linked; plus strand). Cytogenetic location: Xp11.23.
Variant type: single nucleotide variant.
Coding change: c.1315T>C on transcript NM_001145073.3 (MANE Select); coding-DNA position 1315, T replaced by C.
Protein change: p.Ter439Arg.
Molecular consequence: stop lost.
Genome position (GRCh38, 1-based): chrX:49,881,622, T>C. VCF-style: chrX-49881622-T-C. GRCh37 (hg19) VCF-style: chrX-49646225-T-C.
Identifiers: ClinVar variation 5018269 (VCV005018269.1).

ClinVar aggregate classification (germline): Uncertain significance (1 of 4 stars; one submission).

Submission:

GeneDx
Classification: Uncertain significance. Last evaluated: 2026-04-10. Review status: criteria provided, single submitter. Criteria: GeneDx Variant Classification Process June 2021. Collection method: clinical testing. Allele origin: germline.
Comment: Not observed at significant frequency in large population cohorts (gnomAD); Stop codon loss and change to an arginine codon, leading to protein extension and the addition of 27 amino acid(s) at the C-terminus; Has not been previously published as pathogenic or benign to our knowledge